The following is an entry in ClinVar:

NM_001386795.1(DTNA):c.991G>A (p.Ala331Thr)

Gene: DTNA (dystrobrevin alpha; plus strand). Cytogenetic location: 18q12.1.
Variant type: single nucleotide variant.
Coding change: c.991G>A on transcript NM_001386795.1 (MANE Select); coding-DNA position 991, G replaced by A.
Protein change: p.Ala331Thr; replaces alanine 331 with threonine.
Molecular consequence: missense variant. On other transcripts: intron variant (1).
Genome position (GRCh38, 1-based): chr18:34,820,905, G>A. VCF-style: chr18-34820905-G-A. GRCh37 (hg19) VCF-style: chr18-32400869-G-A.
Other names: c.991G>A, p.Ala331Thr (NM_001128175.2, NM_001198938.2, NM_001198939.2 and 34 more transcripts); c.37G>A, p.Ala13Thr (NM_001198942.1, NM_001198944.1, NM_032980.4 and 1 more transcripts); c.241G>A, p.Ala81Thr (NM_001198943.1); c.603+8792G>A (NM_001198945.2); short protein forms A331T, A81T, A13T.
Identifiers: ClinVar variation 2201693 (VCV002201693.4), dbSNP rs1352066424, ClinGen allele CA402169343.
Genomic context (GRCh38, chr18:34,820,905, plus strand): 5'-TCCAGCCGTGAACCTTTGCACCCCATGTTCCCAGATCAGCCTGAGAAGCCACTCAACTTG[G>A]CTCACATCGTGTGAGTATCCCTACCCTCCCAGTATAGAGACAATTTTCTTCAAGGGCACA-3'
Protein context (NP_001373724.1, residues 321-341): PDQPEKPLNL[Ala331Thr]HIVPPRPVTS

ClinVar aggregate classification (germline): Uncertain significance (1 of 4 stars; one submission).

Conditions:
Left ventricular noncompaction 1 (LVNC1). Also called: LEFT VENTRICULAR NONCOMPACTION 1 WITH OR WITHOUT CONGENITAL HEART DEFECTS. Identifiers: Orphanet 54260, MedGen C1858725, MONDO:0011403, OMIM 604169.

Allele frequency attached by ClinVar (database versions not stated): gnomAD exomes below 0.00001; gnomAD 0.00001.
gnomAD v4.1: 5 of 1,613,816 alleles (0.00031%); highest among the groups gnomAD compares: South Asian, 0.0022%; no homozygotes.

Submission:

Labcorp Genetics (formerly Invitae), Labcorp
Classification: Uncertain significance for Left ventricular noncompaction 1. Last evaluated: 2025-06-11. Review status: criteria provided, single submitter. Criteria: Invitae Variant Classification Sherloc (09022015). Collection method: clinical testing. Allele origin: germline.
Comment: This sequence change replaces alanine, which is neutral and non-polar, with threonine, which is neutral and polar, at codon 331 of the DTNA protein (p.Ala331Thr). This variant is present in population databases (no rsID available, gnomAD 0.004%). This variant has not been reported in the literature in individuals affected with DTNA-related conditions. ClinVar contains an entry for this variant (Variation ID: 2201693). Invitae Evidence Modeling of protein sequence and biophysical properties (such as structural, functional, and spatial information, amino acid conservation, physicochemical variation, residue mobility, and thermodynamic stability) indicates that this missense variant is not expected to disrupt DTNA protein function with a negative predictive value of 80%. In summary, the available evidence is currently insufficient to determine the role of this variant in disease. Therefore, it has been classified as a Variant of Uncertain Significance.